The following is an entry in ClinVar:

ClinVar aggregate classification (germline): Pathogenic (1 of 4 stars; one submission).

Submission:

Labcorp Genetics (formerly Invitae), Labcorp
Classification: Pathogenic. Last evaluated: 2023-03-21. Review status: criteria provided, single submitter. Criteria: Invitae Variant Classification Sherloc (09022015). Collection method: clinical testing. Allele origin: germline.
Comment: This variant has not been reported in the literature in individuals affected with STAR-related conditions. For these reasons, this variant has been classified as Pathogenic. This variant disrupts a region of the STAR protein in which other variant(s) (p.Arg272Cys) have been determined to be pathogenic (PMID: 28546232, 30476142). This suggests that this is a clinically significant region of the protein, and that variants that disrupt it are likely to be disease-causing. ClinVar contains an entry for this variant (Variation ID: 1412308). This variant is present in population databases (rs751815828, gnomAD 0.0009%). This sequence change results in a frameshift in the STAR gene (p.Ser235Profs*87). While this is not anticipated to result in nonsense mediated decay, it is expected to disrupt the last 51 amino acid(s) of the STAR protein and extend the protein by 35 additional amino acid residues.

Literature cited by the submitters: PubMed 28546232; PubMed 30476142.

NM_000349.3(STAR):c.701_702dup (p.Ser235fs)

Gene: STAR (steroidogenic acute regulatory protein; minus strand). Cytogenetic location: 8p11.23.
Variant type: Duplication.
Coding change: c.701_702dup on transcript NM_000349.3 (MANE Select); coding-DNA positions 701 to 702, 2 bases duplicated (CC; older notation c.701_702dupCC).
Protein change: p.Ser235fs; shifts the reading frame from serine 235.
Molecular consequence: frameshift variant.
Genome position (GRCh38, 1-based): chr8:38,145,264-38,145,265, GG duplicated on the plus strand (CC on the coding strand, the reverse complement: STAR is on the minus strand); duplicating any 2 consecutive bases within chr8:38,145,264-38,145,266 gives the same sequence; the c. name uses the placement nearest the transcript's 3' end. VCF-style (leftmost placement, unchanged base first): chr8-38145263-A-AGG. GRCh37 (hg19) VCF-style: chr8-38002781-A-AGG.
Other names: short protein forms S235fs.
Identifiers: ClinVar variation 1412308 (VCV001412308.6), dbSNP rs751815828, ClinGen allele CA4715158.
Genomic context (GRCh38, chr8:38,145,263, plus strand): 5'-CCCCTCCCATGCCCTTCACCTTGAGGTCGATGCTGAGTAGCCACGTAAGTTTGGTCTTAG[A>AGG]GGGACTTCCAGCCAACGGGTGAAGCACCATGCAAGTGGGACCGTGCTCCGCCCTGGCAAA-3'